The following is an entry in ClinVar:

ClinVar aggregate classification (germline): Likely benign (1 of 4 stars; one submission).

Allele frequency attached by ClinVar (database versions not stated): gnomAD exomes 0.00001; TOPMed 0.00001; gnomAD 0.00002.

Submission:

CeGaT Center for Human Genetics Tuebingen
Classification: Likely benign. Last evaluated: 2022-07-01. Review status: criteria provided, single submitter. Criteria: CeGaT Center For Human Genetics Tuebingen Variant Classification Criteria Version 2. Collection method: clinical testing. Allele origin: germline. Affected: yes. Observed: 1 variant allele.
Comment: STRA6: BP4, BP7

NM_022369.4(STRA6):c.1135C>T (p.Leu379=)

Genes: STRA6 (signaling receptor and transporter of retinol STRA6; minus strand), LOC126862177 (CDK7 strongly-dependent group 2 enhancer GRCh37_chr15:74476518-74477717; plus strand). Cytogenetic location: 15q24.1.
Variant type: single nucleotide variant.
Coding change: c.1135C>T on transcript NM_022369.4 (MANE Select); coding-DNA position 1135, C replaced by T.
Protein change: p.Leu379=; no amino-acid change (leucine 379 retained).
Molecular consequence: synonymous variant.
Genome position (GRCh38, 1-based): chr15:74,185,011, G>A on the plus strand (C>T on the coding strand, the complement: STRA6 is on the minus strand). VCF-style: chr15-74185011-G-A. GRCh37 (hg19) VCF-style: chr15-74477352-G-A.
Other names: c.1135C>T, p.Leu379= (NM_001142617.2, NM_001142618.2); c.1108C>T, p.Leu370= (NM_001142619.2); c.1246C>T, p.Leu416= (NM_001199040.2); c.1180C>T, p.Leu394= (NM_001199041.2); c.1252C>T, p.Leu418= (NM_001199042.2).
Identifiers: ClinVar variation 2645534 (VCV002645534.24), dbSNP rs1357017184, ClinGen allele CA491172410.